The following is an entry in ClinVar:

ClinVar aggregate classification (germline): Uncertain significance (1 of 4 stars; one submission).

Conditions:
DICER1-related tumor predisposition. Also called: DICER1-related pleuropulmonary blastoma cancer predisposition syndrome; DICER1 syndrome. Identifiers: Orphanet 284343, MedGen C3839822, MONDO:0100216.

Submission:

Labcorp Genetics (formerly Invitae), Labcorp
Classification: Uncertain significance for DICER1-related tumor predisposition. Last evaluated: 2021-02-13. Review status: criteria provided, single submitter. Criteria: Invitae Variant Classification Sherloc (09022015). Collection method: clinical testing. Allele origin: germline.
Comment: This sequence change replaces aspartic acid with asparagine at codon 88 of the DICER1 protein (p.Asp88Asn). The aspartic acid residue is moderately conserved and there is a small physicochemical difference between aspartic acid and asparagine. This variant is not present in population databases (ExAC no frequency). This variant has not been reported in the literature in individuals with DICER1-related conditions. Algorithms developed to predict the effect of missense changes on protein structure and function output the following: SIFT: "Tolerated"; PolyPhen-2: "Benign"; Align-GVGD: "Class C0". The asparagine amino acid residue is found in multiple mammalian species, suggesting that this missense change does not adversely affect protein function. These predictions have not been confirmed by published functional studies and their clinical significance is uncertain. In summary, the available evidence is currently insufficient to determine the role of this variant in disease. Therefore, it has been classified as a Variant of Uncertain Significance.

NM_177438.3(DICER1):c.262G>A (p.Asp88Asn)

Gene: DICER1 (dicer 1, ribonuclease III; minus strand). Cytogenetic location: 14q32.13.
Variant type: single nucleotide variant.
Coding change: c.262G>A on transcript NM_177438.3 (MANE Select); coding-DNA position 262, G replaced by A.
Protein change: p.Asp88Asn; replaces aspartic acid 88 with asparagine.
Molecular consequence: missense variant.
Genome position (GRCh38, 1-based): chr14:95,132,560, C>T on the plus strand (G>A on the coding strand, the complement: DICER1 is on the minus strand). VCF-style: chr14-95132560-C-T. GRCh37 (hg19) VCF-style: chr14-95598897-C-T.
Other names: c.262G>A, p.Asp88Asn (NM_001195573.1, NM_001271282.3, NM_001291628.2 and 1 more transcripts); short protein forms D88N.
Identifiers: ClinVar variation 1010923 (VCV001010923.10), dbSNP rs1894040646, ClinGen allele CA390889777.